The following is an entry in ClinVar:

ClinVar aggregate classification (germline): Pathogenic (1 of 4 stars; one submission).

Conditions:
Fanconi anemia (FA). Also called: Fanconi's anemia. Identifiers: Orphanet 84, MedGen C0015625, MeSH D005199, MONDO:0019391.

Allele frequency attached by ClinVar (database versions not stated): gnomAD exomes below 0.00001.

Submission:

Labcorp Genetics (formerly Invitae), Labcorp
Classification: Pathogenic for Fanconi anemia. Last evaluated: 2022-04-15. Review status: criteria provided, single submitter. Criteria: Invitae Variant Classification Sherloc (09022015). Collection method: clinical testing. Allele origin: germline.
Comment: This sequence change creates a premature translational stop signal (p.Asp170Valfs*5) in the FANCI gene. It is expected to result in an absent or disrupted protein product. Loss-of-function variants in FANCI are known to be pathogenic (PMID: 17452773, 17460694). For these reasons, this variant has been classified as Pathogenic. This variant has not been reported in the literature in individuals affected with FANCI-related conditions. This variant is not present in population databases (gnomAD no frequency).

Literature cited by the submitters: PubMed 17452773; PubMed 17460694.

NM_001113378.2(FANCI):c.509del (p.Asp170fs)

Gene: FANCI (FA complementation group I; plus strand). Cytogenetic location: 15q26.1.
Variant type: Deletion.
Coding change: c.509del on transcript NM_001113378.2 (MANE Select); coding-DNA position 509, one base deleted (A; older notation c.509delA).
Protein change: p.Asp170fs; shifts the reading frame from aspartic acid 170.
Molecular consequence: frameshift variant.
Genome position (GRCh38, 1-based): chr15:89,263,424, A deleted. VCF-style (leftmost placement, unchanged base first): chr15-89263423-GA-G. GRCh37 (hg19) VCF-style: chr15-89806654-GA-G.
Other names: c.230del, p.Asp77fs (NM_001376910.1); c.509del, p.Asp170fs (NM_001376911.1, NM_018193.3); short protein forms D77fs, D170fs.
Identifiers: ClinVar variation 1991478 (VCV001991478.4), dbSNP rs2505951948, ClinGen allele CA2580090162.